The following is an entry in ClinVar:

ClinVar aggregate classification (germline): Likely benign. Review status: criteria provided, multiple submitters, no conflicts (2 of 4 stars). 5 submissions from 5 submitters: Likely benign (5). Last evaluated 2025-08-21.

Conditions:
Cardiovascular phenotype. Identifiers: MedGen CN230736.
Familial isolated arrhythmogenic right ventricular dysplasia. Identifiers: Orphanet 217656, MedGen C4274968, MONDO:0016342.
Cardiomyopathy (CMYO). Also called: Cardiomyopathies. Identifiers: Orphanet 167848, MedGen C0878544, MONDO:0004994, HP:0001638. Inheritance: Various modes of inheritance.
Arrhythmogenic right ventricular dysplasia 11. Also called: Arrhythmogenic Right Ventricular Dysplasia/Cardiomyopathy11; ARRHYTHMOGENIC RIGHT VENTRICULAR DYSPLASIA, FAMILIAL, 11; Arrhythmogenic right ventricular dysplasia 11 with mild palmoplantar keratoderma and woolly hair. Identifiers: MedGen C1864850, MONDO:0012506, OMIM 610476.

Allele frequency attached by ClinVar (database versions not stated): TOPMed 0.00002; ESP Exome Variant Server 0.00008; gnomAD 0.00002.
gnomAD v4.1: 3 of 1,613,606 alleles (0.00019%); highest among the groups gnomAD compares: African/African-American, 0.004%; no homozygotes.

Submissions (5):

Labcorp Genetics (formerly Invitae), Labcorp
Classification: Likely benign for Arrhythmogenic right ventricular dysplasia 11. Last evaluated: 2025-08-21. Review status: criteria provided, single submitter. Criteria: Invitae Variant Classification Sherloc (09022015). Collection method: clinical testing. Allele origin: germline.

All of Us Research Program, National Institutes of Health
Classification: Likely benign for Familial isolated arrhythmogenic right ventricular dysplasia. Last evaluated: 2023-10-06. Review status: criteria provided, single submitter. Criteria: ACMG Guidelines, 2015. Collection method: clinical testing. Allele origin: germline. Inheritance: Autosomal dominant inheritance. Observed: 1 variant allele, 1 heterozygote.
Comment: This study involves interpretation of variants in research participants for the purpose of population health screening. Participant phenotype was not available at the time of variant classification. Additional details can be found in publication PMID: 35346344, PMCID: PMC8962531

Color Diagnostics, LLC DBA Color Health
Classification: Likely benign for Cardiomyopathy. Last evaluated: 2022-11-06. Review status: criteria provided, single submitter. Criteria: ACMG Guidelines, 2015. Collection method: clinical testing. Allele origin: germline.

Women's Health and Genetics/Laboratory Corporation of America, LabCorp
Classification: Likely benign. Last evaluated: 2019-08-28. Review status: criteria provided, single submitter. Criteria: LabCorp Variant Classification Summary - May 2015. Collection method: clinical testing. Allele origin: germline.

Ambry Genetics
Classification: Likely benign for Cardiovascular phenotype. Last evaluated: 2018-12-03. Review status: criteria provided, single submitter. Criteria: Ambry Variant Classification Scheme 2023. Collection method: clinical testing. Allele origin: germline.

NM_024422.6(DSC2):c.1875G>C (p.Leu625=)

Gene: DSC2 (desmocollin 2; minus strand). Cytogenetic location: 18q12.1.
Variant type: single nucleotide variant.
Coding change: c.1875G>C on transcript NM_024422.6 (MANE Select); coding-DNA position 1875, G replaced by C.
Protein change: p.Leu625=; no amino-acid change (leucine 625 retained).
Molecular consequence: synonymous variant.
Genome position (GRCh38, 1-based): chr18:31,074,696, C>G on the plus strand (G>C on the coding strand, the complement: DSC2 is on the minus strand). VCF-style: chr18-31074696-C-G. GRCh37 (hg19) VCF-style: chr18-28654662-C-G.
Other names: c.1875G>C, p.Leu625= (NM_004949.5).
Identifiers: ClinVar variation 496459 (VCV000496459.12), dbSNP rs142594406, ClinGen allele CA033516.